The following is an entry in ClinVar:

NM_006070.6(TFG):c.184+5G>A

Gene: TFG (trafficking from ER to golgi regulator; plus strand). Cytogenetic location: 3q12.2.
Variant type: single nucleotide variant.
Coding change: c.184+5G>A on transcript NM_006070.6 (MANE Select); 5 bases into the intron after coding-DNA position 184, G replaced by A.
Molecular consequence: intron variant.
Genome position (GRCh38, 1-based): chr3:100,713,874, G>A. VCF-style: chr3-100713874-G-A. GRCh37 (hg19) VCF-style: chr3-100432718-G-A.
Other names: c.184+5G>A (NM_001007565.2, NM_001195479.2, NM_001195478.2).
Identifiers: ClinVar variation 2935772 (VCV002935772.3), dbSNP rs2472057622, ClinGen allele CA1051492193.

ClinVar aggregate classification (germline): Uncertain significance (1 of 4 stars; one submission).

Conditions:
Hereditary motor and sensory neuropathy, Okinawa type (HMSNO). Also called: HEREDITARY MOTOR AND SENSORY NEUROPATHY, PROXIMAL TYPE. Identifiers: Orphanet 90117, MedGen C1858338, MONDO:0011468, OMIM 604484.
Hereditary spastic paraplegia 57. Also called: Spastic paraplegia 57, autosomal recessive. Identifiers: Orphanet 431329, MedGen C3714897, MONDO:0014295, OMIM 615658.

Submission:

Labcorp Genetics (formerly Invitae), Labcorp
Classification: Uncertain significance for Hereditary motor and sensory neuropathy, Okinawa type; Hereditary spastic paraplegia 57. Last evaluated: 2023-09-19. Review status: criteria provided, single submitter. Criteria: Invitae Variant Classification Sherloc (09022015). Collection method: clinical testing. Allele origin: germline.
Comment: In summary, the available evidence is currently insufficient to determine the role of this variant in disease. Therefore, it has been classified as a Variant of Uncertain Significance. Variants that disrupt the consensus splice site are a relatively common cause of aberrant splicing (PMID: 17576681, 9536098). Algorithms developed to predict the effect of sequence changes on RNA splicing suggest that this variant is not likely to affect RNA splicing. This variant has not been reported in the literature in individuals affected with TFG-related conditions. This variant is not present in population databases (gnomAD no frequency). This sequence change falls in intron 2 of the TFG gene. It does not directly change the encoded amino acid sequence of the TFG protein. It affects a nucleotide within the consensus splice site.

Literature cited by the submitters: PubMed 17576681; PubMed 9536098.